The following is an entry in ClinVar:

ClinVar aggregate classification (germline): Pathogenic (1 of 4 stars; one submission).

Conditions:
Peroxisome biogenesis disorder. Identifiers: Orphanet 79189, MedGen C1832200, MONDO:0019234. Disease mechanism: loss of function.

Allele frequency attached by ClinVar (database versions not stated): TOPMed below 0.00001; gnomAD 0.00001.
gnomAD v4.1: 1 of 1,612,432 alleles (0.000062%); highest among the groups gnomAD compares: Non-Finnish European, 0.000085%; no homozygotes.

Submission:

Labcorp Genetics (formerly Invitae), Labcorp
Classification: Pathogenic for Peroxisome biogenesis disorder. Last evaluated: 2021-11-06. Review status: criteria provided, single submitter. Criteria: Invitae Variant Classification Sherloc (09022015). Collection method: clinical testing. Allele origin: germline.
Comment: This sequence change creates a premature translational stop signal (p.Gln600*) in the PEX6 gene. It is expected to result in an absent or disrupted protein product. Loss-of-function variants in PEX6 are known to be pathogenic (PMID: 8670792, 19877282, 21031596). This variant is not present in population databases (gnomAD no frequency). This variant has not been reported in the literature in individuals affected with PEX6-related conditions. ClinVar contains an entry for this variant (Variation ID: 1072637). For these reasons, this variant has been classified as Pathogenic.

Literature cited by the submitters: PubMed 8670792; PubMed 19877282; PubMed 21031596.

NM_000287.4(PEX6):c.1798C>T (p.Gln600Ter)

Gene: PEX6 (peroxisomal biogenesis factor 6; minus strand). Cytogenetic location: 6p21.1.
Variant type: single nucleotide variant.
Coding change: c.1798C>T on transcript NM_000287.4 (MANE Select); coding-DNA position 1798, C replaced by T.
Protein change: p.Gln600Ter; replaces glutamine 600 with a stop codon.
Molecular consequence: nonsense. On other transcripts: non-coding transcript variant (1).
Genome position (GRCh38, 1-based): chr6:42,967,454, G>A on the plus strand (C>T on the coding strand, the complement: PEX6 is on the minus strand). VCF-style: chr6-42967454-G-A. GRCh37 (hg19) VCF-style: chr6-42935192-G-A.
Other names: c.1534C>T, p.Gln512Ter (NM_001316313.2); short protein forms Q512*, Q600*.
Identifiers: ClinVar variation 1072637 (VCV001072637.7), dbSNP rs1769875600, ClinGen allele CA364153586.